The following is an entry in ClinVar:

NM_000384.3(APOB):c.11734G>A (p.Val3912Ile)

Gene: APOB (apolipoprotein B; minus strand). Cytogenetic location: 2p24.1.
Variant type: single nucleotide variant.
Coding change: c.11734G>A on transcript NM_000384.3 (MANE Select); coding-DNA position 11734, G replaced by A.
Protein change: p.Val3912Ile; replaces valine 3912 with isoleucine.
Molecular consequence: missense variant.
Genome position (GRCh38, 1-based): chr2:21,005,134, C>T on the plus strand (G>A on the coding strand, the complement: APOB is on the minus strand). VCF-style: chr2-21005134-C-T. GRCh37 (hg19) VCF-style: chr2-21228006-C-T.
Other names: short protein forms V3912I.
Identifiers: ClinVar variation 2586179 (VCV002586179.6), dbSNP rs748091842, ClinGen allele CA047218.

ClinVar aggregate classification (germline): Conflicting classifications of pathogenicity. Review status: criteria provided, conflicting classifications (1 of 4 stars). 3 submissions from 3 submitters: Uncertain significance (2); Likely benign (1). Last evaluated 2024-10-10.

Conditions:
APOB-related disorder. Also called: APOB-related condition; APOB-related disorders.
Hypercholesterolemia, autosomal dominant, type B (FHCL2). Also called: Familial Hypercholesterolemia Type B; APOLIPOPROTEIN B-100, FAMILIAL DEFECTIVE; APOLIPOPROTEIN B-100, FAMILIAL LIGAND-DEFECTIVE; HYPERCHOLESTEROLEMIA, FAMILIAL, DUE TO LIGAND-DEFECTIVE APOLIPOPROTEIN B; Familial hypercholesterolemia 2; Hyperlipoproteinemia Type IIb. Identifiers: MedGen C1704417, MONDO:0007751, OMIM 144010.
Familial hypobetalipoproteinemia 1. Also called: APOB-Related Familial Hypobetalipoproteinemia; Hypobetalipoproteinemia, normotriglyceridemic; Acanthocytosis with hypobetalipoproteinemia. Identifiers: MedGen C4551990, MONDO:0014252, OMIM 615558.
Cardiovascular phenotype. Identifiers: MedGen CN230736.

Allele frequency attached by ClinVar (database versions not stated): ExAC 0.00003.
gnomAD v4.1: 11 of 1,614,012 alleles (0.00068%); highest among the groups gnomAD compares: South Asian, 0.011%; no homozygotes.

Submissions (3):

PreventionGenetics, part of Exact Sciences
Classification: Uncertain significance for APOB-related condition. Last evaluated: 2024-10-10. Review status: criteria provided, single submitter. Criteria: ACMG Guidelines, 2015. Collection method: clinical testing. Allele origin: germline.
Comment: The APOB c.11734G>A variant is predicted to result in the amino acid substitution p.Val3912Ile. To our knowledge, this variant has not been reported in the literature. This variant is reported in 0.013% of alleles in individuals of South Asian descent in gnomAD. At this time, the clinical significance of this variant is uncertain due to the absence of conclusive functional and genetic evidence.

Labcorp Genetics (formerly Invitae), Labcorp
Classification: Likely benign for Familial hypobetalipoproteinemia 1; Hypercholesterolemia, autosomal dominant, type B. Last evaluated: 2024-01-09. Review status: criteria provided, single submitter. Criteria: Invitae Variant Classification Sherloc (09022015). Collection method: clinical testing. Allele origin: germline.

Ambry Genetics
Classification: Uncertain significance for Cardiovascular phenotype. Last evaluated: 2023-12-13. Review status: criteria provided, single submitter. Criteria: Ambry Variant Classification Scheme 2023. Collection method: clinical testing. Allele origin: germline.